The following is an entry in ClinVar:

ClinVar aggregate classification (germline): Likely benign. Review status: criteria provided, multiple submitters, no conflicts (2 of 4 stars). 3 submissions from 3 submitters: Likely benign (3). Last evaluated 2025-02-06.

Conditions:
Hereditary cancer-predisposing syndrome. Also called: Hereditary Cancer Syndrome; Tumor predisposition; Neoplastic Syndromes, Hereditary; Hereditary neoplastic syndrome. Identifiers: Orphanet 140162, MedGen C0027672, MeSH D009386, MONDO:0015356.
Microcephaly, normal intelligence and immunodeficiency (NBS). Also called: Nijmegen breakage syndrome; Microcephaly with normal intelligence immunodeficiency and lymphoreticular malignancies; Nonsyndromal microcephaly autosomal recessive with normal intelligence; Seemanova syndrome 2; Ataxia telangiectasia variant V1; BERLIN BREAKAGE SYNDROME. Identifiers: Orphanet 647, MedGen C0398791, MONDO:0009623, OMIM 251260.

Allele frequency attached by ClinVar (database versions not stated): ExAC 0.00001; gnomAD exomes 0.00001.
gnomAD v4.1: 7 of 1,600,476 alleles (0.00044%); highest among the groups gnomAD compares: Non-Finnish European, 0.0006%; no homozygotes.

Submissions (3):

Labcorp Genetics (formerly Invitae), Labcorp
Classification: Likely benign for Microcephaly, normal intelligence and immunodeficiency. Last evaluated: 2025-02-06. Review status: criteria provided, single submitter. Criteria: Invitae Variant Classification Sherloc (09022015). Collection method: clinical testing. Allele origin: germline.

Ambry Genetics
Classification: Likely benign for Hereditary cancer-predisposing syndrome. Last evaluated: 2017-12-05. Review status: criteria provided, single submitter. Criteria: Ambry Variant Classification Scheme 2023. Collection method: clinical testing. Allele origin: germline.

GeneDx
Classification: Likely benign. Last evaluated: 2017-12-05. Review status: criteria provided, single submitter. Criteria: GeneDx Variant Classification (06012015). Collection method: clinical testing. Allele origin: germline. Affected: yes.
Comment: This variant is considered likely benign or benign based on one or more of the following criteria: it is a conservative change, it occurs at a poorly conserved position in the protein, it is predicted to be benign by multiple in silico algorithms, and/or has population frequency not consistent with disease.

NM_002485.5(NBN):c.525A>G (p.Glu175=)

Gene: NBN (nibrin; minus strand). Cytogenetic location: 8q21.3.
Variant type: single nucleotide variant.
Coding change: c.525A>G on transcript NM_002485.5 (MANE Select); coding-DNA position 525, A replaced by G.
Protein change: p.Glu175=; no amino-acid change (glutamic acid 175 retained).
Molecular consequence: synonymous variant.
Genome position (GRCh38, 1-based): chr8:89,978,279, T>C on the plus strand (A>G on the coding strand, the complement: NBN is on the minus strand). VCF-style: chr8-89978279-T-C. GRCh37 (hg19) VCF-style: chr8-90990507-T-C.
Other names: c.279A>G, p.Glu93= (NM_001024688.3).
Identifiers: ClinVar variation 513971 (VCV000513971.16), dbSNP rs769400631, ClinGen allele CA4802946.
Genomic context (GRCh38, chr8:89,978,279, plus strand): 5'-CCTTTCAATTTGTGGAGGCTGCTTCTTGGACTCAACTGCTTTCAGGAATTCAGTAAAATA[T>C]TCTGGCTTTACAATTGGACGTCCACAAATGAGTGCACATATTGTCTACAATGAAGAAAAC-3'
Protein context (NP_002476.2, residues 165-185): LICGRPIVKP[Glu175=]YFTEFLKAVE